The following is an entry in ClinVar:

ClinVar aggregate classification (germline): Uncertain significance (1 of 4 stars; one submission).

Conditions:
Neurodevelopmental disorder with hypotonia, impaired speech, and behavioral abnormalities (NEDHISB). Also called: GNAI1-Related Neurodevelopmental Disorder. Identifiers: MedGen C5676975, MONDO:0859243, OMIM 619854.

Submission:

3billion
Classification: Uncertain significance for Neurodevelopmental disorder with hypotonia, impaired speech, and behavioral abnormalities. Last evaluated: 2025-12-01. Review status: criteria provided, single submitter. Criteria: ACMG Guidelines, 2015. Collection method: clinical testing. Allele origin: germline. Affected: yes.
Comment: The variant is not observed in the gnomAD v4.1.0 dataset. Predicted Consequence/Location: Missense variant. Missense changes are a common disease-causing mechanism. In silico tool predictions suggest damaging effect of the variant on gene or gene product [REVEL: 0.78 (>=0.6, sensitivity 0.68 and specificity 0.92)]. Therefore, this variant is classified as VUS according to the recommendation of ACMG/AMP guideline.

NM_002069.6(GNAI1):c.122C>T (p.Ala41Val)

Gene: GNAI1 (G protein subunit alpha i1; plus strand). Cytogenetic location: 7q21.11.
Variant type: single nucleotide variant.
Coding change: c.122C>T on transcript NM_002069.6 (MANE Select); coding-DNA position 122, C replaced by T.
Protein change: p.Ala41Val; replaces alanine 41 with valine.
Molecular consequence: missense variant. On other transcripts: 5 prime UTR variant (1).
Genome position (GRCh38, 1-based): chr7:80,188,954, C>T. VCF-style: chr7-80188954-C-T. GRCh37 (hg19) VCF-style: chr7-79818270-C-T.
Other names: c.-35C>T (NM_001256414.2); short protein forms A41V.
Identifiers: ClinVar variation 4854273 (VCV004854273.1).